The following is an entry in ClinVar:

NM_005431.2(XRCC2):c.25G>A (p.Glu9Lys)

Gene: XRCC2 (X-ray repair cross complementing 2; minus strand). Cytogenetic location: 7q36.1.
Variant type: single nucleotide variant.
Coding change: c.25G>A on transcript NM_005431.2 (MANE Select); coding-DNA position 25, G replaced by A.
Protein change: p.Glu9Lys; replaces glutamic acid 9 with lysine.
Molecular consequence: missense variant.
Genome position (GRCh38, 1-based): chr7:152,676,055, C>T on the plus strand (G>A on the coding strand, the complement: XRCC2 is on the minus strand). VCF-style: chr7-152676055-C-T. GRCh37 (hg19) VCF-style: chr7-152373140-C-T.
Other names: short protein forms E9K.
Identifiers: ClinVar variation 1793649 (VCV001793649.3), dbSNP rs1227610646, ClinGen allele CA370199599.

ClinVar aggregate classification (germline): Uncertain significance (1 of 4 stars; one submission).

Conditions:
Hereditary cancer-predisposing syndrome. Also called: Tumor predisposition; Hereditary Cancer Syndrome; Neoplastic Syndromes, Hereditary; Hereditary neoplastic syndrome. Identifiers: Orphanet 140162, MedGen C0027672, MeSH D009386, MONDO:0015356.

gnomAD v4.1: 1 of 1,613,886 alleles (0.000062%); highest among the groups gnomAD compares: South Asian, 0.0011%; no homozygotes.

Submission:

Ambry Genetics
Classification: Uncertain significance for Hereditary cancer-predisposing syndrome. Last evaluated: 2024-11-18. Review status: criteria provided, single submitter. Criteria: Ambry Variant Classification Scheme 2023. Collection method: clinical testing. Allele origin: germline.
Comment: The p.E9K variant (also known as c.25G>A), located in coding exon 1 of the XRCC2 gene, results from a G to A substitution at nucleotide position 25. The glutamic acid at codon 9 is replaced by lysine, an amino acid with similar properties. This amino acid position is conserved. In addition, the in silico prediction for this alteration is inconclusive. Since supporting evidence is limited at this time, the clinical significance of this alteration remains unclear.